The following is an entry in ClinVar:

NM_020247.5(COQ8A):c.298G>A (p.Asp100Asn)

Gene: COQ8A (coenzyme Q8A; plus strand). Cytogenetic location: 1q42.13.
Variant type: single nucleotide variant.
Coding change: c.298G>A on transcript NM_020247.5 (MANE Select); coding-DNA position 298, G replaced by A.
Protein change: p.Asp100Asn; replaces aspartic acid 100 with asparagine.
Molecular consequence: missense variant.
Genome position (GRCh38, 1-based): chr1:226,965,120, G>A. VCF-style: chr1-226965120-G-A. GRCh37 (hg19) VCF-style: chr1-227152821-G-A.
Other names: short protein forms D100N.
Identifiers: ClinVar variation 1954090 (VCV001954090.2), dbSNP rs150696959, ClinGen allele CA1424983.

ClinVar aggregate classification (germline): Uncertain significance (1 of 4 stars; one submission).

gnomAD v4.1: 13 of 1,613,822 alleles (0.00081%); highest among the groups gnomAD compares: South Asian, 0.0011%; no homozygotes.

Submission:

Labcorp Genetics (formerly Invitae), Labcorp
Classification: Uncertain significance. Last evaluated: 2022-03-24. Review status: criteria provided, single submitter. Criteria: Invitae Variant Classification Sherloc (09022015). Collection method: clinical testing. Allele origin: germline.
Comment: This sequence change replaces aspartic acid, which is acidic and polar, with asparagine, which is neutral and polar, at codon 100 of the COQ8A protein (p.Asp100Asn). This variant is present in population databases (rs150696959, gnomAD 0.004%). This variant has not been reported in the literature in individuals affected with COQ8A-related conditions. Advanced modeling of protein sequence and biophysical properties (such as structural, functional, and spatial information, amino acid conservation, physicochemical variation, residue mobility, and thermodynamic stability) performed at Invitae indicates that this missense variant is not expected to disrupt COQ8A protein function. In summary, the available evidence is currently insufficient to determine the role of this variant in disease. Therefore, it has been classified as a Variant of Uncertain Significance.